The following is an entry in ClinVar:

ClinVar aggregate classification (germline): Uncertain significance. Review status: criteria provided, multiple submitters, no conflicts (2 of 4 stars). 4 submissions from 3 submitters: Uncertain significance (4). Last evaluated 2022-05-13.

Conditions:
Jeune thoracic dystrophy. Also called: Jeune syndrome; Infantile thoracic dystrophy; Thoracic pelvic phalangeal dystrophy; Jeune's syndrome; Chondroectodermal dysplasia-like syndrome; Short-rib thoracic dysplasia. Identifiers: Orphanet 474, MedGen C0265275, MONDO:0018770.
Nephronophthisis. Also called: Juvenile Nephronophthisis. Identifiers: Orphanet 655, MedGen C0687120, MONDO:0019005, HP:0000090.
Asphyxiating thoracic dystrophy 4 (SRTD4). Also called: SHORT-RIB THORACIC DYSPLASIA 4 WITH OR WITHOUT POLYDACTYLY; SHORT-RIB THORACIC DYSPLASIA 4. Identifiers: Orphanet 474, MedGen C3151185, MONDO:0013441, OMIM 613819.
Nephronophthisis 12 (NPHP12). Identifiers: Orphanet 655, MedGen C3151186, MONDO:0013442, OMIM 613820.

Allele frequency attached by ClinVar (database versions not stated): gnomAD exomes below 0.00001.
gnomAD v4.1: 4 of 1,608,074 alleles (0.00025%); highest among the groups gnomAD compares: Admixed American, 0.0017%; no homozygotes.

Submissions (4):

Fulgent Genetics
Classification: Uncertain significance for Asphyxiating thoracic dystrophy 4; Nephronophthisis 12. Last evaluated: 2022-05-13. Review status: criteria provided, single submitter. Criteria: ACMG Guidelines, 2015. Collection method: clinical testing. Allele origin: unknown.

Labcorp Genetics (formerly Invitae), Labcorp
Classification: Uncertain significance for Jeune thoracic dystrophy; Nephronophthisis. Last evaluated: 2021-10-16. Review status: criteria provided, single submitter. Criteria: Invitae Variant Classification Sherloc (09022015). Collection method: clinical testing. Allele origin: germline.
Comment: This variant has not been reported in the literature in individuals affected with TTC21B-related conditions. ClinVar contains an entry for this variant (Variation ID: 894628). Algorithms developed to predict the effect of missense changes on protein structure and function are either unavailable or do not agree on the potential impact of this missense change (SIFT: "Deleterious"; PolyPhen-2: "Benign"; Align-GVGD: "Class C0"). In summary, the available evidence is currently insufficient to determine the role of this variant in disease. Therefore, it has been classified as a Variant of Uncertain Significance. This variant is not present in population databases (ExAC no frequency). This sequence change replaces aspartic acid with glycine at codon 561 of the TTC21B protein (p.Asp561Gly). The aspartic acid residue is weakly conserved and there is a moderate physicochemical difference between aspartic acid and glycine.

Illumina Laboratory Services, Illumina
Classification: Uncertain significance for Asphyxiating thoracic dystrophy 4. Last evaluated: 2017-04-27. Review status: criteria provided, single submitter. Criteria: ICSL Variant Classification Criteria 13 December 2019. Collection method: clinical testing. Allele origin: germline.

Illumina Laboratory Services, Illumina
Classification: Uncertain significance for Nephronophthisis 12. Last evaluated: 2017-04-27. Review status: criteria provided, single submitter. Criteria: ICSL Variant Classification Criteria 13 December 2019. Collection method: clinical testing. Allele origin: germline.

NM_024753.5(TTC21B):c.1682A>G (p.Asp561Gly)

Gene: TTC21B (tetratricopeptide repeat domain 21B; minus strand). Cytogenetic location: 2q24.3.
Variant type: single nucleotide variant.
Coding change: c.1682A>G on transcript NM_024753.5 (MANE Select); coding-DNA position 1682, A replaced by G.
Protein change: p.Asp561Gly; replaces aspartic acid 561 with glycine.
Molecular consequence: missense variant.
Genome position (GRCh38, 1-based): chr2:165,917,474, T>C on the plus strand (A>G on the coding strand, the complement: TTC21B is on the minus strand). VCF-style: chr2-165917474-T-C. GRCh37 (hg19) VCF-style: chr2-166773984-T-C.
Other names: short protein forms D561G.
Identifiers: ClinVar variation 894628 (VCV000894628.10), dbSNP rs1354455514, ClinGen allele CA349060613.